The following is an entry in ClinVar:

NM_015967.8(PTPN22):c.81A>G (p.Glu27=)

Genes: AP4B1-AS1 (AP4B1 antisense RNA 1; plus strand), PTPN22 (protein tyrosine phosphatase non-receptor type 22; minus strand), LOC129931233 (ATAC-STARR-seq lymphoblastoid active region 1538; plus strand). Cytogenetic location: 1p13.2.
Variant type: single nucleotide variant.
Coding change: c.81A>G on transcript NM_015967.8 (MANE Select); coding-DNA position 81, A replaced by G.
Protein change: p.Glu27=; no amino-acid change (glutamic acid 27 retained).
Molecular consequence: synonymous variant.
Genome position (GRCh38, 1-based): chr1:113,871,543, T>C on the plus strand (A>G on the coding strand, the complement: PTPN22 is on the minus strand). VCF-style: chr1-113871543-T-C. GRCh37 (hg19) VCF-style: chr1-114414165-T-C.
Other names: c.81A>G, p.Glu27= (NM_001193431.3, NM_001308297.2, NM_012411.6).
Identifiers: ClinVar variation 4281493 (VCV004281493.7).

ClinVar aggregate classification (germline): Likely benign (1 of 4 stars; one submission).

gnomAD v4.1: 6 of 1,613,730 alleles (0.00037%); highest among the groups gnomAD compares: Admixed American, 0.0083%; no homozygotes.

Submission:

CeGaT Center for Human Genetics Tuebingen
Classification: Likely benign. Last evaluated: 2025-09-01. Review status: criteria provided, single submitter. Criteria: CeGaT Center For Human Genetics Tuebingen Variant Classification Criteria Version 2. Collection method: clinical testing. Allele origin: germline. Affected: yes. Observed: 1 variant allele.
Comment: PTPN22: BP4, BP7